The following is an entry in ClinVar:

NM_000059.4(BRCA2):c.1760C>G (p.Thr587Arg)

Gene: BRCA2 (BRCA2 DNA repair associated; plus strand). Cytogenetic location: 13q13.1.
Variant type: single nucleotide variant.
Coding change: c.1760C>G on transcript NM_000059.4 (MANE Select); coding-DNA position 1760, C replaced by G.
Protein change: p.Thr587Arg; replaces threonine 587 with arginine.
Molecular consequence: missense variant.
Genome position (GRCh38, 1-based): chr13:32,333,238, C>G. VCF-style: chr13-32333238-C-G. GRCh37 (hg19) VCF-style: chr13-32907375-C-G.
Other names: short protein forms T587R.
Identifiers: ClinVar variation 186910 (VCV000186910.14), dbSNP rs786203316, ClinGen allele CA013115.

ClinVar aggregate classification (germline): Conflicting classifications of pathogenicity. Review status: criteria provided, conflicting classifications (1 of 4 stars). 3 submissions from 3 submitters: Uncertain significance (2); Likely benign (1). Last evaluated 2024-01-27.

Conditions:
Hereditary cancer-predisposing syndrome. Also called: Neoplastic Syndromes, Hereditary; Tumor predisposition; Hereditary Cancer Syndrome; Hereditary neoplastic syndrome. Identifiers: Orphanet 140162, MedGen C0027672, MeSH D009386, MONDO:0015356.
Hereditary breast ovarian cancer syndrome. Also called: Hereditary breast and ovarian cancer; Hereditary breast and/or ovarian cancer syndrome; BRCA1- and BRCA2-Associated Hereditary Breast and Ovarian Cancer; Hereditary breast and ovarian cancer syndrome (HBOC); Hereditary breast and ovarian cancer syndrome; Breast and ovarian cancer. Identifiers: Orphanet 145, MedGen C0677776, MeSH D061325, MONDO:0003582. Disease mechanism: loss of function.

Submissions (3):

Labcorp Genetics (formerly Invitae), Labcorp
Classification: Uncertain significance for Hereditary breast ovarian cancer syndrome. Last evaluated: 2024-01-27. Review status: criteria provided, single submitter. Criteria: Invitae Variant Classification Sherloc (09022015). Collection method: clinical testing. Allele origin: germline.
Comment: This sequence change replaces threonine, which is neutral and polar, with arginine, which is basic and polar, at codon 587 of the BRCA2 protein (p.Thr587Arg). This variant is not present in population databases (gnomAD no frequency). This variant has not been reported in the literature in individuals affected with BRCA2-related conditions. ClinVar contains an entry for this variant (Variation ID: 186910). Advanced modeling of protein sequence and biophysical properties (such as structural, functional, and spatial information, amino acid conservation, physicochemical variation, residue mobility, and thermodynamic stability) performed at Invitae indicates that this missense variant is not expected to disrupt BRCA2 protein function with a negative predictive value of 95%. In summary, the available evidence is currently insufficient to determine the role of this variant in disease. Therefore, it has been classified as a Variant of Uncertain Significance.

University of Washington Department of Laboratory Medicine, University of Washington
Classification: Likely benign for Hereditary cancer-predisposing syndrome. Last evaluated: 2023-03-23. Review status: criteria provided, single submitter. Criteria: Dines et al. (Genet Med. 2020). Collection method: curation. Allele origin: germline.
Comment: Missense variant in a coldspot region where missense variants are very unlikely to be pathogenic (PMID:31911673).

BRCA2 exon 10 coldspot. Reclassification based on statistical prior probability.

Ambry Genetics
Classification: Uncertain significance for Hereditary cancer-predisposing syndrome. Last evaluated: 2014-10-22. Review status: criteria provided, single submitter. Criteria: Ambry Variant Classification Scheme 2023. Collection method: clinical testing. Allele origin: germline.
Comment: The p.T587R variant (also known as c.1760C>G and 1988C>G) is located in coding exon 9 of the BRCA2 gene. This alteration results from a C to G substitution at nucleotide position 1760. The threonine at codon 587 is replaced by arginine, an amino acid with some similar properties. This variant was not reported in population-based cohorts in the following databases: Database of Single Nucleotide Polymorphisms (dbSNP), NHLBI Exome Sequencing Project (ESP) and 1000 Genomes Project. To date, this alteration has been detected with an allele frequency of approximately 0.002% (greater than 64,000 alleles tested) in our clinical cohort. This amino acid position is not well conserved in available vertebrate species. In addition, this alteration is predicted to be tolerated by in silico analysis. Since supporting evidence is limited at this time, the clinical significance of p.T587R remains unclear.